The following is an entry in ClinVar:

NM_000059.4(BRCA2):c.9257-19T>G

Gene: BRCA2 (BRCA2 DNA repair associated; plus strand). Cytogenetic location: 13q13.1.
Variant type: single nucleotide variant.
Coding change: c.9257-19T>G on transcript NM_000059.4 (MANE Select); 19 bases into the intron before coding-DNA position 9257, T replaced by G.
Molecular consequence: intron variant.
Genome position (GRCh38, 1-based): chr13:32,394,670, T>G. VCF-style: chr13-32394670-T-G. GRCh37 (hg19) VCF-style: chr13-32968807-T-G.
Other names: c.9206-19T>G (NM_001406720.1); c.9161-19T>G (NM_001406719.1); c.4325-19T>G (NM_001406721.1); c.2840-19T>G (NM_001406722.1).
Identifiers: ClinVar variation 3069005 (VCV003069005.2), dbSNP rs2548561900, ClinGen allele CA2825002161.

ClinVar aggregate classification (germline): Likely benign (1 of 4 stars; one submission).

Submission:

Women's Health and Genetics/Laboratory Corporation of America, LabCorp
Classification: Likely benign. Last evaluated: 2024-02-27. Review status: criteria provided, single submitter. Criteria: LabCorp Variant Classification Summary - May 2015. Collection method: clinical testing. Allele origin: germline.
Comment: Variant summary: BRCA2 c.9257-19T>G alters a non-conserved nucleotide located at a position not widely known to affect splicing. Consensus agreement among computation tools predict no significant impact on normal splicing. However, these predictions have yet to be confirmed by functional studies. The frequency data for this variant in gnomAD is considered unreliable, as metrics indicate poor data quality at this position. To our knowledge, no occurrence of c.9257-19T>G in individuals affected with Hereditary Breast And Ovarian Cancer Syndrome and no experimental evidence demonstrating its impact on protein function have been reported. No submitters have cited clinical-significance assessments for this variant to ClinVar. Based on the evidence outlined above, the variant was classified as likely benign.